The following is an entry in ClinVar:

ClinVar aggregate classification (germline): Likely benign. Review status: criteria provided, multiple submitters, no conflicts (2 of 4 stars). 2 submissions from 2 submitters: Likely benign (2). Last evaluated 2025-09-01.

Allele frequency attached by ClinVar (database versions not stated): gnomAD exomes below 0.00001; gnomAD 0.00001.
gnomAD v4.1: 4 of 1,612,978 alleles (0.00025%); highest among the groups gnomAD compares: African/African-American, 0.0013%; no homozygotes.

Submissions (2):

CeGaT Center for Human Genetics Tuebingen
Classification: Likely benign. Last evaluated: 2025-09-01. Review status: criteria provided, single submitter. Criteria: CeGaT Center For Human Genetics Tuebingen Variant Classification Criteria Version 2. Collection method: clinical testing. Allele origin: germline. Affected: yes. Observed: 1 variant allele.
Comment: ESCO2: BP4, BP7

Labcorp Genetics (formerly Invitae), Labcorp
Classification: Likely benign. Last evaluated: 2025-04-17. Review status: criteria provided, single submitter. Criteria: Invitae Variant Classification Sherloc (09022015). Collection method: clinical testing. Allele origin: germline.

NM_001017420.3(ESCO2):c.651T>A (p.Ser217=)

Gene: ESCO2 (establishment of sister chromatid cohesion N-acetyltransferase 2; plus strand). Cytogenetic location: 8p21.1.
Variant type: single nucleotide variant.
Coding change: c.651T>A on transcript NM_001017420.3 (MANE Select); coding-DNA position 651, T replaced by A.
Protein change: p.Ser217=; no amino-acid change (serine 217 retained).
Molecular consequence: synonymous variant.
Genome position (GRCh38, 1-based): chr8:27,776,959, T>A. VCF-style: chr8-27776959-T-A. GRCh37 (hg19) VCF-style: chr8-27634476-T-A.
Identifiers: ClinVar variation 1155531 (VCV001155531.14), dbSNP rs1804807094, ClinGen allele CA460054871.